The following is an entry in ClinVar:

NM_002317.7(LOX):c.104C>T (p.Pro35Leu)

Genes: SRFBP1 (serum response factor binding protein 1; plus strand), LOX (lysyl oxidase; minus strand). Cytogenetic location: 5q23.1.
Variant type: single nucleotide variant.
Coding change: c.104C>T on transcript NM_002317.7 (MANE Select); coding-DNA position 104, C replaced by T.
Protein change: p.Pro35Leu; replaces proline 35 with leucine.
Molecular consequence: missense variant.
Genome position (GRCh38, 1-based): chr5:122,077,882, G>A on the plus strand (C>T on the coding strand, the complement: LOX is on the minus strand). VCF-style: chr5-122077882-G-A. GRCh37 (hg19) VCF-style: chr5-121413577-G-A.
Other names: short protein forms P35L.
Identifiers: ClinVar variation 1306505 (VCV001306505.5), dbSNP rs757946184, ClinGen allele CA125917631.

ClinVar aggregate classification (germline): Uncertain significance. Review status: criteria provided, multiple submitters, no conflicts (2 of 4 stars). 2 submissions from 2 submitters: Uncertain significance (2). Last evaluated 2025-12-15.

gnomAD v4.1: 4 of 1,536,092 alleles (0.00026%); highest among the groups gnomAD compares: Admixed American, 0.0042%; no homozygotes.

Submissions (2):

Labcorp Genetics (formerly Invitae), Labcorp
Classification: Uncertain significance. Last evaluated: 2025-12-15. Review status: criteria provided, single submitter. Criteria: Invitae Variant Classification Sherloc (09022015). Collection method: clinical testing. Allele origin: germline.
Comment: This sequence change replaces proline, which is neutral and non-polar, with leucine, which is neutral and non-polar, at codon 35 of the LOX protein (p.Pro35Leu). The frequency data for this variant in the population databases is considered unreliable, as metrics indicate poor data quality at this position in the gnomAD database. This variant has not been reported in the literature in individuals affected with LOX-related conditions. ClinVar contains an entry for this variant (Variation ID: 1306505). Invitae Evidence Modeling of protein sequence and biophysical properties (such as structural, functional, and spatial information, amino acid conservation, physicochemical variation, residue mobility, and thermodynamic stability) indicates that this missense variant is not expected to disrupt LOX protein function with a negative predictive value of 95%. In summary, the available evidence is currently insufficient to determine the role of this variant in disease. Therefore, it has been classified as a Variant of Uncertain Significance.

GeneDx
Classification: Uncertain significance. Last evaluated: 2019-07-29. Review status: criteria provided, single submitter. Criteria: GeneDx Variant Classification Process June 2021. Collection method: clinical testing. Allele origin: germline. Affected: yes.
Comment: Has not been previously published as pathogenic or benign to our knowledge; Not observed in large population cohorts (Lek et al., 2016); In silico analysis, which includes protein predictors and evolutionary conservation, supports that this variant does not alter protein structure/function